The following is an entry in ClinVar:

NM_001166108.2(PALLD):c.1024T>C (p.Tyr342His)

Gene: PALLD (palladin, cytoskeletal associated protein; plus strand). Cytogenetic location: 4q32.3.
Variant type: single nucleotide variant.
Coding change: c.1024T>C on transcript NM_001166108.2 (MANE Select); coding-DNA position 1024, T replaced by C.
Protein change: p.Tyr342His; replaces tyrosine 342 with histidine.
Molecular consequence: missense variant. On other transcripts: 5 prime UTR variant (1).
Genome position (GRCh38, 1-based): chr4:168,668,305, T>C. VCF-style: chr4-168668305-T-C. GRCh37 (hg19) VCF-style: chr4-169589456-T-C.
Other names: c.-123T>C (NM_001166109.2); c.1024T>C, p.Tyr342His (NM_016081.4); short protein forms Y342H.
Identifiers: ClinVar variation 2448509 (VCV002448509.2), dbSNP rs2531425487, ClinGen allele CA358793826.

ClinVar aggregate classification (germline): Uncertain significance (1 of 4 stars; one submission).

Submission:

Ambry Genetics
Classification: Uncertain significance. Last evaluated: 2023-02-28. Review status: criteria provided, single submitter. Criteria: Ambry Variant Classification Scheme 2023. Collection method: clinical testing. Allele origin: germline.
Comment: The p.Y342H variant (also known as c.1024T>C), located in coding exon 2 of the PALLD gene, results from a T to C substitution at nucleotide position 1024. The tyrosine at codon 342 is replaced by histidine, an amino acid with similar properties. This amino acid position is conserved. In addition, this alteration is predicted to be deleterious by in silico analysis. Since supporting evidence is limited at this time, the clinical significance of this alteration remains unclear.